The following is an entry in ClinVar:

NM_007144.3(PCGF2):c.296C>G (p.Ala99Gly)

Gene: PCGF2 (polycomb group ring finger 2; minus strand). Cytogenetic location: 17q12.
Variant type: single nucleotide variant.
Coding change: c.296C>G on transcript NM_007144.3 (MANE Select); coding-DNA position 296, C replaced by G.
Protein change: p.Ala99Gly; replaces alanine 99 with glycine.
Molecular consequence: missense variant.
Genome position (GRCh38, 1-based): chr17:38,739,088, G>C on the plus strand (C>G on the coding strand, the complement: PCGF2 is on the minus strand). VCF-style: chr17-38739088-G-C. GRCh37 (hg19) VCF-style: chr17-36895341-G-C.
Other names: c.296C>G, p.Ala99Gly (NM_001369614.1, NM_001369615.1); short protein forms A99G.
Identifiers: ClinVar variation 2998449 (VCV002998449.5), dbSNP rs1412330889, ClinGen allele CA398822172.

ClinVar aggregate classification (germline): Conflicting classifications of pathogenicity. Review status: criteria provided, conflicting classifications (1 of 4 stars). 3 submissions from 3 submitters: Uncertain significance (1); Benign (1); Likely benign (1). Last evaluated 2025-10-02.

Allele frequency attached by ClinVar (database versions not stated): gnomAD exomes below 0.00001; gnomAD 0.00001; TOPMed 0.00001.
gnomAD v4.1: 3 of 1,613,372 alleles (0.00019%); highest among the groups gnomAD compares: Non-Finnish European, 0.00025%; no homozygotes.

Submissions (3):

Labcorp Genetics (formerly Invitae), Labcorp
Classification: Benign. Last evaluated: 2025-10-02. Review status: criteria provided, single submitter. Criteria: Invitae Variant Classification Sherloc (09022015). Collection method: clinical testing. Allele origin: germline.

Women's Health and Genetics/Laboratory Corporation of America, LabCorp
Classification: Uncertain significance. Last evaluated: 2024-06-07. Review status: criteria provided, single submitter. Criteria: LabCorp Variant Classification Summary - May 2015. Collection method: clinical testing. Allele origin: germline.
Comment: Variant summary: PCGF2 c.296C>G (p.Ala99Gly) results in a non-conservative amino acid change in the encoded protein sequence. Three of five in-silico tools predict a benign effect of the variant on protein function. The variant was absent in 251414 control chromosomes (gnomAD). The available data on variant occurrences in the general population are insufficient to allow any conclusion about variant significance. To our knowledge, no occurrence of c.296C>G in individuals affected with Turnpenny-Fry Syndrome and no experimental evidence demonstrating its impact on protein function have been reported. ClinVar contains an entry for this variant (Variation ID: 2998449). Based on the evidence outlined above, the variant was classified as uncertain significance.

Blueprint Genetics
Classification: Likely benign. Last evaluated: 2024-05-28. Review status: criteria provided, single submitter. Criteria: ACMG Guidelines, 2015. Collection method: clinical testing. Allele origin: germline.